The following is an entry in ClinVar:

ClinVar aggregate classification (germline): Uncertain significance (1 of 4 stars; one submission).

Conditions:
Hereditary nonpolyposis colorectal neoplasms. Identifiers: MedGen C0009405, MeSH D003123.

Submission:

Labcorp Genetics (formerly Invitae), Labcorp
Classification: Uncertain significance for Hereditary nonpolyposis colorectal neoplasms. Last evaluated: 2022-02-03. Review status: criteria provided, single submitter. Criteria: Invitae Variant Classification Sherloc (09022015). Collection method: clinical testing. Allele origin: germline.
Comment: This sequence change replaces lysine, which is basic and polar, with glutamic acid, which is acidic and polar, at codon 603 of the MSH6 protein (p.Lys603Glu). This variant is not present in population databases (gnomAD no frequency). In summary, the available evidence is currently insufficient to determine the role of this variant in disease. Therefore, it has been classified as a Variant of Uncertain Significance. Advanced modeling of protein sequence and biophysical properties (such as structural, functional, and spatial information, amino acid conservation, physicochemical variation, residue mobility, and thermodynamic stability) performed at Invitae indicates that this missense variant is not expected to disrupt MSH6 protein function. This variant has not been reported in the literature in individuals affected with MSH6-related conditions.

NM_000179.3(MSH6):c.1807A>G (p.Lys603Glu)

Gene: MSH6 (mutS homolog 6; plus strand). Cytogenetic location: 2p16.3.
Variant type: single nucleotide variant.
Coding change: c.1807A>G on transcript NM_000179.3 (MANE Select); coding-DNA position 1807, A replaced by G.
Protein change: p.Lys603Glu; replaces lysine 603 with glutamic acid.
Molecular consequence: missense variant.
Genome position (GRCh38, 1-based): chr2:47,799,790, A>G. VCF-style: chr2-47799790-A-G. GRCh37 (hg19) VCF-style: chr2-48026929-A-G.
Other names: c.1510A>G, p.Lys504Glu (NM_001406827.1, NM_001406828.1, NM_001406830.1 and 10 more transcripts); c.901A>G, p.Lys301Glu (NM_001406829.1, NM_001281493.2, NM_001281494.2 and 6 more transcripts); c.1417A>G, p.Lys473Glu (NM_001281492.2); c.1903A>G, p.Lys635Glu (NM_001406795.1, NM_001406802.1); c.1807A>G, p.Lys603Glu (NM_001406796.1, NM_001406798.1, NM_001406800.1 and 3 more transcripts); c.1282A>G, p.Lys428Glu (NM_001406799.1, NM_001406806.1, NM_001406807.1); c.1729A>G, p.Lys577Glu (NM_001406804.1); c.1813A>G, p.Lys605Glu (NM_001406813.1); and 1 more; short protein forms K473E, K577E, K605E, K504E, K603E, K635E, K301E, K428E.
Identifiers: ClinVar variation 2165988 (VCV002165988.4), dbSNP rs1238126377, ClinGen allele CA346749367.